The following is an entry in ClinVar:

NM_006618.5(KDM5B):c.2945+1G>A

Gene: KDM5B (lysine demethylase 5B; minus strand). Cytogenetic location: 1q32.1.
Variant type: single nucleotide variant.
Coding change: c.2945+1G>A on transcript NM_006618.5 (MANE Select); the canonical splice donor site of the intron after coding-DNA position 2945, G replaced by A.
Molecular consequence: splice donor variant.
Genome position (GRCh38, 1-based): chr1:202,741,366, C>T on the plus strand (G>A on the coding strand, the complement: KDM5B is on the minus strand). VCF-style: chr1-202741366-C-T. GRCh37 (hg19) VCF-style: chr1-202710494-C-T.
Other names: c.2930+1G>A (NM_001399817.1); c.2810+1G>A (NM_001347591.2); c.3053+1G>A (NM_001314042.2).
Identifiers: ClinVar variation 1192275 (VCV001192275.3), dbSNP rs2102232815, ClinGen allele CA344264397.
Genomic context (GRCh38, chr1:202,741,366, plus strand): 5'-TGTGTTTAAGCTGGAGATAACTGTCCAACCTTCCCAAAGAAAGAGAAGTCTGCTTTTTCA[C>T]CTGGCCTTGAGGAGACTCTTGGCTTTGTCGTCCCAGTGCTCTGACACTGTGAGCAGTTCC-3'

ClinVar aggregate classification (germline): Likely pathogenic. Review status: criteria provided, multiple submitters, no conflicts (2 of 4 stars). 2 submissions from 2 submitters: Likely pathogenic (2). Last evaluated 2025-07-18.

Conditions:
Intellectual developmental disorder, autosomal recessive 65. Also called: Intellectual disability, autosomal recessive 65; MENTAL RETARDATION, AUTOSOMAL RECESSIVE 65. Identifiers: MedGen C4748219, MONDO:0020850, OMIM 618109.

Submissions (2):

GeneDx
Classification: Likely pathogenic. Last evaluated: 2025-07-18. Review status: criteria provided, single submitter. Criteria: GeneDx Variant Classification Process June 2021. Collection method: clinical testing. Allele origin: germline. Affected: yes.
Comment: Canonical splice site variant predicted to result in a null allele in a gene for which loss of function is a known mechanism of disease.; Not observed at significant frequency in large population cohorts (gnomAD); Has not been previously published as pathogenic or benign to our knowledge

Women's Health and Genetics/Laboratory Corporation of America, LabCorp
Classification: Likely pathogenic for Intellectual developmental disorder, autosomal recessive 65. Last evaluated: 2021-07-28. Review status: criteria provided, single submitter. Criteria: LabCorp Variant Classification Summary - May 2015. Collection method: clinical testing. Allele origin: germline.
Comment: Variant summary: JARID1B c.2945+1G>A is located in a canonical splice-site and is predicted to affect mRNA splicing resulting in a significantly altered protein due to either exon skipping, shortening, or inclusion of intronic material. Several computational tools predict a significant impact on normal splicing: Four predict the variant abolishes a 5 prime splicing donor site. However, these predictions have yet to be confirmed by functional studies. The variant was absent in 182086 control chromosomes. To our knowledge, no occurrence of c.2945+1G>A in individuals affected with Intellectual Disability, Autosomal Recessive 65 and no experimental evidence demonstrating its impact on protein function have been reported. No clinical diagnostic laboratories have submitted clinical-significance assessments for this variant to ClinVar after 2014. Based on the evidence outlined above, the variant was classified as likely pathogenic.